The following is an entry in ClinVar:

ClinVar aggregate classification (germline): Uncertain significance (1 of 4 stars; one submission).

Conditions:
Immunodeficiency. Identifiers: MedGen C0021051, MONDO:0021094, HP:0002721.

Allele frequency attached by ClinVar (database versions not stated): gnomAD exomes below 0.00001; gnomAD 0.00001; ExAC 0.00003; TOPMed 0.00003; ESP Exome Variant Server 0.00008.

Submission:

Labcorp Genetics (formerly Invitae), Labcorp
Classification: Uncertain significance for Immunodeficiency. Last evaluated: 2026-01-23. Review status: criteria provided, single submitter. Criteria: Invitae Variant Classification Sherloc (09022015). Collection method: clinical testing. Allele origin: germline.
Comment: This sequence change replaces serine, which is neutral and polar, with leucine, which is neutral and non-polar, at codon 573 of the NFAT5 protein (p.Ser573Leu). This variant is present in population databases (rs369433506, gnomAD 0.02%). This variant has not been reported in the literature in individuals affected with NFAT5-related conditions. ClinVar contains an entry for this variant (Variation ID: 1977373). An algorithm developed to predict the effect of missense changes on protein structure and function (PolyPhen-2) suggests that this variant is likely to be tolerated. In summary, the available evidence is currently insufficient to determine the role of this variant in disease. Therefore, it has been classified as a Variant of Uncertain Significance.

NM_138713.4(NFAT5):c.2000C>T (p.Ser667Leu)

Gene: NFAT5 (nuclear factor of activated T cells 5; plus strand). Cytogenetic location: 16q22.1.
Variant type: single nucleotide variant.
Coding change: c.2000C>T on transcript NM_138713.4 (MANE Select); coding-DNA position 2000, C replaced by T.
Protein change: p.Ser667Leu; replaces serine 667 with leucine.
Molecular consequence: missense variant.
Genome position (GRCh38, 1-based): chr16:69,691,825, C>T. VCF-style: chr16-69691825-C-T. GRCh37 (hg19) VCF-style: chr16-69725728-C-T.
Other names: c.1997C>T, p.Ser666Leu (NM_001113178.3); c.1325C>T, p.Ser442Leu (NM_001367709.1); c.1946C>T, p.Ser649Leu (NM_006599.4); c.1718C>T, p.Ser573Leu (NM_138714.4, NM_173214.3, NM_173215.3); short protein forms S666L, S442L, S667L, S573L, S649L.
Identifiers: ClinVar variation 1977373 (VCV001977373.5), dbSNP rs369433506, ClinGen allele CA8135704.